The following is an entry in ClinVar:

ClinVar aggregate classification (germline): Likely benign. Review status: criteria provided, multiple submitters, no conflicts (2 of 4 stars). 3 submissions from 3 submitters: Likely benign (3). Last evaluated 2025-02-01.

Conditions:
Inborn genetic diseases. Identifiers: MedGen C0950123, MeSH D030342.

Allele frequency attached by ClinVar (database versions not stated): gnomAD 0.00001; ExAC 0.00002; TOPMed 0.00003.
gnomAD v4.1: 63 of 1,614,132 alleles (0.0039%); highest among the groups gnomAD compares: Non-Finnish European, 0.0052%; no homozygotes.

Submissions (3):

CeGaT Center for Human Genetics Tuebingen
Classification: Likely benign. Last evaluated: 2025-02-01. Review status: criteria provided, single submitter. Criteria: CeGaT Center For Human Genetics Tuebingen Variant Classification Criteria Version 2. Collection method: clinical testing. Allele origin: germline. Affected: yes. Observed: 1 variant allele.
Comment: ADNP: BP4

Labcorp Genetics (formerly Invitae), Labcorp
Classification: Likely benign. Last evaluated: 2024-12-02. Review status: criteria provided, single submitter. Criteria: Invitae Variant Classification Sherloc (09022015). Collection method: clinical testing. Allele origin: germline.

Ambry Genetics
Classification: Likely benign for Inborn genetic diseases. Last evaluated: 2017-09-27. Review status: criteria provided, single submitter. Criteria: Ambry Variant Classification Scheme 2023. Collection method: clinical testing. Allele origin: germline.

NM_001282531.3(ADNP):c.1597A>G (p.Met533Val)

Gene: ADNP (activity dependent neuroprotector homeobox; minus strand). Cytogenetic location: 20q13.13.
Variant type: single nucleotide variant.
Coding change: c.1597A>G on transcript NM_001282531.3 (MANE Select); coding-DNA position 1597, A replaced by G.
Protein change: p.Met533Val; replaces methionine 533 with valine.
Molecular consequence: missense variant.
Genome position (GRCh38, 1-based): chr20:50,893,117, T>C on the plus strand (A>G on the coding strand, the complement: ADNP is on the minus strand). VCF-style: chr20-50893117-T-C. GRCh37 (hg19) VCF-style: chr20-49509654-T-C.
Other names: c.1597A>G, p.Met533Val (NM_001282532.2, NM_001347511.2, NM_015339.5 and 1 more transcripts); short protein forms M533V.
Identifiers: ClinVar variation 589403 (VCV000589403.20), dbSNP rs761339004, ClinGen allele CA9908706.